The following is an entry in ClinVar:

ClinVar aggregate classification (germline): Uncertain significance. Review status: criteria provided, multiple submitters, no conflicts (2 of 4 stars). 2 submissions from 2 submitters: Uncertain significance (2). Last evaluated 2025-03-10.

Conditions:
Hypercholesterolemia, autosomal dominant, 3 (FHCL3). Also called: PCSK9-Related Familial Hypercholesterolemia, Autosomal Dominant; Familial Hypercholesterolemia, Autosomal Dominant, 3; Familial hypercholesterolemia 3. Identifiers: MedGen C1863551, MONDO:0011369, OMIM 603776.

Allele frequency attached by ClinVar (database versions not stated): ExAC 0.00001.

Submissions (2):

GeneDx
Classification: Uncertain significance. Last evaluated: 2025-03-10. Review status: criteria provided, single submitter. Criteria: GeneDx Variant Classification Process June 2021. Collection method: clinical testing. Allele origin: germline. Affected: yes.
Comment: Not observed at significant frequency in large population cohorts (gnomAD); In silico analysis supports that this missense variant has a deleterious effect on protein structure/function; Has not been previously published as pathogenic or benign to our knowledge

All of Us Research Program, National Institutes of Health
Classification: Uncertain significance for Hypercholesterolemia, autosomal dominant, 3. Last evaluated: 2023-02-24. Review status: criteria provided, single submitter. Criteria: ACMG Guidelines, 2015. Collection method: clinical testing. Allele origin: germline. Inheritance: Autosomal dominant inheritance. Observed: 1 variant allele, 1 heterozygote.
Comment: This missense variant replaces cysteine with tyrosine at codon 358 of the PCSK9 protein. Computational prediction suggests that this variant may have deleterious impact on protein structure and function (internally defined REVEL score threshold >= 0.7, PMID: 27666373). To our knowledge, functional studies have not been reported for this variant. This variant has not been reported in individuals affected with PCSK9-related disorders in the literature. This variant has been identified in 1/251388 chromosomes in the general population by the Genome Aggregation Database (gnomAD). The available evidence is insufficient to determine the role of this variant in disease conclusively. Therefore, this variant is classified as a Variant of Uncertain Significance.

This study involves interpretation of variants in research participants for the purpose of population health screening. Participant phenotype was not available at the time of variant classification. Additional details can be found in publication PMID: 35346344, PMCID: PMC8962531

NM_174936.4(PCSK9):c.1073G>A (p.Cys358Tyr)

Gene: PCSK9 (proprotein convertase subtilisin/kexin type 9; plus strand). Cytogenetic location: 1p32.3.
Variant type: single nucleotide variant.
Coding change: c.1073G>A on transcript NM_174936.4 (MANE Select); coding-DNA position 1073, G replaced by A.
Protein change: p.Cys358Tyr; replaces cysteine 358 with tyrosine.
Molecular consequence: missense variant. On other transcripts: non-coding transcript variant (7).
Genome position (GRCh38, 1-based): chr1:55,057,407, G>A. VCF-style: chr1-55057407-G-A. GRCh37 (hg19) VCF-style: chr1-55523080-G-A.
Other names: c.1196G>A, p.Cys399Tyr (NM_001407240.1); c.1073G>A, p.Cys358Tyr (NM_001407241.1, NM_001407244.1, NM_001407247.1); c.1076G>A, p.Cys359Tyr (NM_001407242.1); c.1016G>A, p.Cys339Tyr (NM_001407243.1); c.881G>A, p.Cys294Tyr (NM_001407245.1); c.698G>A, p.Cys233Tyr (NM_001407246.1); short protein forms C233Y, C294Y, C339Y, C358Y, C359Y, C399Y.
Identifiers: ClinVar variation 3069607 (VCV003069607.2), dbSNP rs753017904, ClinGen allele CA034965.